The following is an entry in ClinVar:

ClinVar aggregate classification (germline): Uncertain significance (1 of 4 stars; one submission).

gnomAD v4.1: 1 of 1,614,224 alleles (0.000062%); highest among the groups gnomAD compares: Non-Finnish European, 0.000085%; no homozygotes.

Submission:

GeneDx
Classification: Uncertain significance. Last evaluated: 2020-06-24. Review status: criteria provided, single submitter. Criteria: GeneDx Variant Classification Process June 2021. Collection method: clinical testing. Allele origin: germline. Affected: yes.
Comment: Not observed at a significant frequency in large population cohorts (Lek et al., 2016); In silico analysis supports that this missense variant has a deleterious effect on protein structure/function; Has not been previously published as pathogenic or benign to our knowledge

NM_018451.5(CPAP):c.3641A>G (p.Gln1214Arg)

Genes: CPAP (centrosome assembly and centriole elongation protein; minus strand), RNF17 (ring finger protein 17; plus strand). Cytogenetic location: 13q12.12.
Variant type: single nucleotide variant.
Coding change: c.3641A>G on transcript NM_018451.5 (MANE Select); coding-DNA position 3641, A replaced by G.
Protein change: p.Gln1214Arg; replaces glutamine 1214 with arginine.
Molecular consequence: missense variant. On other transcripts: non-coding transcript variant (2).
Genome position (GRCh38, 1-based): chr13:24,884,223, T>C on the plus strand (A>G on the coding strand, the complement: CPAP is on the minus strand). VCF-style: chr13-24884223-T-C. GRCh37 (hg19) VCF-style: chr13-25458361-T-C.
Other names: short protein forms Q1214R.
Identifiers: ClinVar variation 1317305 (VCV001317305.2), dbSNP rs750268775, ClinGen allele CA387576859.